The following is an entry in ClinVar:

ClinVar aggregate classification (germline): Uncertain significance (1 of 4 stars; one submission).

Conditions:
Epilepsy, progressive myoclonic, 1B. Also called: PME. Identifiers: Orphanet 308, MedGen C2676254, MONDO:0012904, OMIM 612437.

gnomAD v4.1: 5 of 1,581,792 alleles (0.00032%); highest among the groups gnomAD compares: Non-Finnish European, 0.00043%; no homozygotes.

Submission:

Labcorp Genetics (formerly Invitae), Labcorp
Classification: Uncertain significance for Epilepsy, progressive myoclonic, 1B. Last evaluated: 2022-08-23. Review status: criteria provided, single submitter. Criteria: Invitae Variant Classification Sherloc (09022015). Collection method: clinical testing. Allele origin: germline.
Comment: Algorithms developed to predict the effect of missense changes on protein structure and function are either unavailable or do not agree on the potential impact of this missense change (SIFT: "Tolerated"; PolyPhen-2: "Possibly Damaging"; Align-GVGD: "Class C0"). In summary, the available evidence is currently insufficient to determine the role of this variant in disease. Therefore, it has been classified as a Variant of Uncertain Significance. This variant has not been reported in the literature in individuals affected with PRICKLE1-related conditions. This sequence change replaces isoleucine, which is neutral and non-polar, with leucine, which is neutral and non-polar, at codon 300 of the PRICKLE1 protein (p.Ile300Leu). This variant is not present in population databases (gnomAD no frequency). ClinVar contains an entry for this variant (Variation ID: 961081).

NM_153026.3(PRICKLE1):c.898A>C (p.Ile300Leu)

Genes: PRICKLE1 (prickle planar cell polarity protein 1; minus strand), LOC126861509 (BRD4-independent group 4 enhancer GRCh37_chr12:42858567-42859766; plus strand). Cytogenetic location: 12q12.
Variant type: single nucleotide variant.
Coding change: c.898A>C on transcript NM_153026.3 (MANE Select); coding-DNA position 898, A replaced by C.
Protein change: p.Ile300Leu; replaces isoleucine 300 with leucine.
Molecular consequence: missense variant.
Genome position (GRCh38, 1-based): chr12:42,465,136, T>G on the plus strand (A>C on the coding strand, the complement: PRICKLE1 is on the minus strand). VCF-style: chr12-42465136-T-G. GRCh37 (hg19) VCF-style: chr12-42858938-T-G.
Other names: c.898A>C, p.Ile300Leu (NM_001144881.2, NM_001144882.2, NM_001144883.2); short protein forms I300L.
Identifiers: ClinVar variation 961081 (VCV000961081.10), dbSNP rs1938042825, ClinGen allele CA384442903.